The following is an entry in ClinVar:

NM_002069.6(GNAI1):c.810G>C (p.Lys270Asn)

Gene: GNAI1 (G protein subunit alpha i1; plus strand). Cytogenetic location: 7q21.11.
Variant type: single nucleotide variant.
Coding change: c.810G>C on transcript NM_002069.6 (MANE Select); coding-DNA position 810, G replaced by C.
Protein change: p.Lys270Asn; replaces lysine 270 with asparagine.
Molecular consequence: missense variant.
Genome position (GRCh38, 1-based): chr7:80,212,805, G>C. VCF-style: chr7-80212805-G-C. GRCh37 (hg19) VCF-style: chr7-79842121-G-C.
Other names: c.654G>C, p.Lys218Asn (NM_001256414.2); short protein forms K218N, K270N.
Identifiers: ClinVar variation 3075801 (VCV003075801.1), dbSNP rs776863773, ClinGen allele CA368013072.
Genomic context (GRCh38, chr7:80,212,805, plus strand): 5'-TGACAGCATATGTAACAACAAGTGGTTTACAGATACATCCATTATACTTTTTCTAAACAA[G>C]AAGGATCTCTTTGAAGAAAAAATCAAAAAGAGCCCTCTCACTATATGCTATCCAGAATAT-3'
Protein context (NP_002060.4, residues 260-280): TDTSIILFLN[Lys270Asn]KDLFEEKIKK

ClinVar aggregate classification (germline): Uncertain significance (1 of 4 stars; one submission).

Submission:

Laboratory for Molecular Medicine, Mass General Brigham Personalized Medicine
Classification: Uncertain significance. Last evaluated: 2021-01-13. Review status: criteria provided, single submitter. Criteria: ACMG Guidelines, 2015. Collection method: clinical testing. Allele origin: germline.
Comment: The p.Lys270Asn variant in GNAI1 has not been previously reported in individuals with neurodevelopmental disorder and was absent from large population studies. Computational prediction tools and conservation analyses suggest that this variant may impact the protein, though this information is not predictive enough to determine impact. Additionally, other variants impacting the Lys270 codon have been identified in individuals with a neurodevelopmental phenotype suggesting that a change at this position may not be tolerated (Muir and Gardner et al; publication in process). In summary, while there is some suspicion for a pathogenic role, the clinical significance of this variant is uncertain. ACMG/AMP Criteria applied: PS2_Moderate, PM2_Supporting, PM5_Supporting, PP3